The following is an entry in ClinVar:

ClinVar aggregate classification (germline): Pathogenic (1 of 4 stars; one submission).

Conditions:
3-Oxo-5 alpha-steroid delta 4-dehydrogenase deficiency (PPSH). Also called: FAMILIAL INCOMPLETE MALE PSEUDOHERMAPHRODITISM, TYPE 2; MALE PSEUDOHERMAPHRODITISM DUE TO 5-ALPHA-REDUCTASE DEFICIENCY; PSEUDOVAGINAL PERINEOSCROTAL HYPOSPADIAS; 46,XY disorder of sex development due to 5-alpha-reductase 2 deficiency. Identifiers: Orphanet 753, MedGen C0268297, MONDO:0009923, OMIM 264600. Disease mechanism: loss of function.

Submission:

Labcorp Genetics (formerly Invitae), Labcorp
Classification: Pathogenic for 3-Oxo-5 alpha-steroid delta 4-dehydrogenase deficiency. Last evaluated: 2023-09-20. Review status: criteria provided, single submitter. Criteria: Invitae Variant Classification Sherloc (09022015). Collection method: clinical testing. Allele origin: germline.
Comment: This variant has not been reported in the literature in individuals affected with SRD5A2-related conditions. This variant disrupts a region of the SRD5A2 protein in which other variant(s) (p.Arg246Gln) have been determined to be pathogenic (PMID: 1522235, 10718838, 20190539, 20493473, 26446026). This suggests that this is a clinically significant region of the protein, and that variants that disrupt it are likely to be disease-causing. For these reasons, this variant has been classified as Pathogenic. This variant is not present in population databases (gnomAD no frequency). This sequence change results in a frameshift in the SRD5A2 gene (p.His230Thrfs*49). While this is not anticipated to result in nonsense mediated decay, it is expected to disrupt the last 26 amino acid(s) of the SRD5A2 protein and extend the protein by 24 additional amino acid residues.

Literature cited by the submitters: PubMed 1522235; PubMed 10718838; PubMed 20190539; PubMed 20493473; PubMed 26446026.

NM_000348.4(SRD5A2):c.687del (p.His230fs)

Gene: SRD5A2 (steroid 5 alpha-reductase 2; minus strand). Cytogenetic location: 2p23.1.
Variant type: Deletion.
Coding change: c.687del on transcript NM_000348.4 (MANE Select); coding-DNA position 687, one base deleted (T; older notation c.687delT).
Protein change: p.His230fs; shifts the reading frame from histidine 230.
Molecular consequence: frameshift variant.
Genome position (GRCh38, 1-based): chr2:31,529,318, A deleted on the plus strand (T on the coding strand, the reverse complement: SRD5A2 is on the minus strand); the first of 4 consecutive A bases (chr2:31,529,318-31,529,321); deleting any one gives the same sequence. VCF-style (leftmost placement, unchanged base first): chr2-31529317-GA-G. GRCh37 (hg19) VCF-style: chr2-31754387-GA-G.
Other names: short protein forms H230fs.
Identifiers: ClinVar variation 2762010 (VCV002762010.3), dbSNP rs2465624850, ClinGen allele CA2697547972.